The following is an entry in ClinVar:

ClinVar aggregate classification (germline): Uncertain significance (1 of 4 stars; one submission).

Conditions:
SLC39A8-CDG. Also called: SLC39A8 deficiency; CONGENITAL DISORDER OF GLYCOSYLATION, TYPE IIn; CDG IIn. Identifiers: Orphanet 468699, MedGen C4225234, MONDO:0014746, OMIM 616721.

Allele frequency attached by ClinVar (database versions not stated): TOPMed 0.00002; gnomAD exomes 0.00003 and 0.00004; gnomAD 0.00004; ExAC 0.00005; ESP Exome Variant Server 0.00015; 1000 Genomes Project 30x 0.00016; 1000 Genomes Project 0.00020.
gnomAD v4.1: 53 of 1,614,174 alleles (0.0033%); highest among the groups gnomAD compares: East Asian, 0.0089%; no homozygotes.

Submission:

Baylor Genetics
Classification: Uncertain significance for SLC39A8-CDG. Last evaluated: 2019-11-25. Review status: criteria provided, single submitter. Criteria: ACMG Guidelines, 2015. Collection method: clinical testing. Allele origin: unknown. Affected: yes.
Comment: This variant was determined to be of uncertain significance according to ACMG Guidelines, 2015 [PMID:25741868].

NM_001135146.2(SLC39A8):c.923C>T (p.Thr308Met)

Genes: SLC39A8 (solute carrier family 39 member 8; minus strand), LOC126807125 (MED14-independent group 3 enhancer GRCh37_chr4:103188587-103189786; plus strand). Cytogenetic location: 4q24.
Variant type: single nucleotide variant.
Coding change: c.923C>T on transcript NM_001135146.2 (MANE Select); coding-DNA position 923, C replaced by T.
Protein change: p.Thr308Met; replaces threonine 308 with methionine.
Molecular consequence: missense variant.
Genome position (GRCh38, 1-based): chr4:102,267,997, G>A on the plus strand (C>T on the coding strand, the complement: SLC39A8 is on the minus strand). VCF-style: chr4-102267997-G-A. GRCh37 (hg19) VCF-style: chr4-103189154-G-A.
Other names: c.923C>T, p.Thr308Met (NM_001135147.1, NM_022154.5); c.722C>T, p.Thr241Met (NM_001135148.2); short protein forms T241M, T308M.
Identifiers: ClinVar variation 1030799 (VCV001030799.1), dbSNP rs376000562, ClinGen allele CA3025550.